The following is an entry in ClinVar:

NM_001348716.2(KDM6B):c.289G>A (p.Val97Met)

Gene: KDM6B (lysine demethylase 6B; plus strand). Cytogenetic location: 17p13.1.
Variant type: single nucleotide variant.
Coding change: c.289G>A on transcript NM_001348716.2 (MANE Select); coding-DNA position 289, G replaced by A.
Protein change: p.Val97Met; replaces valine 97 with methionine.
Molecular consequence: missense variant.
Genome position (GRCh38, 1-based): chr17:7,846,130, G>A. VCF-style: chr17-7846130-G-A. GRCh37 (hg19) VCF-style: chr17-7749448-G-A.
Other names: c.289G>A, p.Val97Met (NM_001080424.2); short protein forms V97M.
Identifiers: ClinVar variation 3766048 (VCV003766048.2).

ClinVar aggregate classification (germline): Uncertain significance (1 of 4 stars; one submission).

gnomAD v4.1: 1 of 1,613,022 alleles (0.000062%); highest among the groups gnomAD compares: Non-Finnish European, 0.000085%; no homozygotes.

Submission:

GeneDx
Classification: Uncertain significance. Last evaluated: 2025-06-04. Review status: criteria provided, single submitter. Criteria: GeneDx Variant Classification Process June 2021. Collection method: clinical testing. Allele origin: germline.
Comment: Not observed at significant frequency in large population cohorts (gnomAD); In silico analysis suggests that this missense variant does not alter protein structure/function; Has not been previously published as pathogenic or benign to our knowledge